The following is an entry in ClinVar:

ClinVar aggregate classification (germline): Pathogenic/Likely pathogenic. Review status: criteria provided, multiple submitters, no conflicts (2 of 4 stars). 2 submissions from 2 submitters: Pathogenic (1); Likely pathogenic (1). Last evaluated 2026-01-16.

Conditions:
3 beta-Hydroxysteroid dehydrogenase deficiency. Also called: 3b-hydroxysteroid dehydrogenase deficiency; Congenital adrenal hyperplasia due to 3-beta-hydroxysteroid dehydrogenase deficiency; 3-BETA-HSD DEFICIENCY; ADRENAL HYPERPLASIA II; ADRENAL HYPERPLASIA, CONGENITAL, DUE TO 3-BETA-HYDROXYSTEROID DEHYDROGENASE 2 DEFICIENCY. Identifiers: Orphanet 90791, MedGen C0342471, MeSH C538236, MONDO:0008727, OMIM 201810. Disease mechanism: loss of function.

Submissions (2):

Natera, Inc.
Classification: Likely pathogenic for 3 beta hydroxysteroid dehydrogenase deficiency. Last evaluated: 2026-01-16. Review status: criteria provided, single submitter. Criteria: Natera Variant Classification Schema (03/2026). Collection method: clinical testing. Allele origin: germline.
Comment: The c.829del variant in HSD3B2 is a frameshift variant predicted to shift the reading frame beginning at codon 277 and leads to a stop codon 11 codons downstream. This variant is expected to result in nonsense mediated decay, truncation, or a dysfunctional protein product. This variant is rare in the general population with a frequency below the threshold expected for the associated phenotype(s). Given the available evidence, this variant is classified as Likely Pathogenic.

Labcorp Genetics (formerly Invitae), Labcorp
Classification: Pathogenic. Last evaluated: 2020-11-11. Review status: criteria provided, single submitter. Criteria: Invitae Variant Classification Sherloc (09022015). Collection method: clinical testing. Allele origin: germline.
Comment: This sequence change creates a premature translational stop signal (p.Leu277Serfs*11) in the HSD3B2 gene. While this is not anticipated to result in nonsense mediated decay, it is expected to disrupt the last 96 amino acid(s) of the HSD3B2 protein. This variant is not present in population databases (ExAC no frequency). This variant has not been reported in the literature in individuals with HSD3B2-related conditions. This variant disrupts the C-terminus of the HSD3B2 protein. Other variant(s) that disrupt this region (p.Arg335*) have been determined to be pathogenic (PMID: 18252794). This suggests that variants that disrupt this region of the protein are likely to be causative of disease. For these reasons, this variant has been classified as Pathogenic.

Literature cited by the submitters: PubMed 18252794 (cited by Labcorp Genetics (formerly Invitae), Labcorp).

NM_000198.4(HSD3B2):c.829del (p.Leu277fs)

Gene: HSD3B2 (hydroxy-delta-5-steroid dehydrogenase, 3 beta- and steroid delta-isomerase 2; plus strand). Cytogenetic location: 1p12.
Variant type: Deletion.
Coding change: c.829del on transcript NM_000198.4 (MANE Select); coding-DNA position 829, one base deleted (C; older notation c.829delC).
Protein change: p.Leu277fs; shifts the reading frame from leucine 277.
Molecular consequence: frameshift variant.
Genome position (GRCh38, 1-based): chr1:119,422,330, C deleted; the last of 2 consecutive C bases (chr1:119,422,329-119,422,330); deleting either gives the same sequence. VCF-style (leftmost placement, unchanged base first): chr1-119422328-GC-G. GRCh37 (hg19) VCF-style: chr1-119964951-GC-G.
Other names: c.829del, p.Leu277fs (NM_001166120.2); c.829del (NM_000198.3); short protein forms L277fs.
Identifiers: ClinVar variation 1456146 (VCV001456146.9), dbSNP rs2101350432, ClinGen allele CA2573131028.